The following is an entry in ClinVar:

NM_144651.5(PXDNL):c.2307T>C (p.Leu769=)

Gene: PXDNL (peroxidasin like; minus strand). Cytogenetic location: 8q11.22.
Variant type: single nucleotide variant.
Coding change: c.2307T>C on transcript NM_144651.5 (MANE Select); coding-DNA position 2307, T replaced by C.
Protein change: p.Leu769=; no amino-acid change (leucine 769 retained).
Molecular consequence: synonymous variant.
Genome position (GRCh38, 1-based): chr8:51,409,317, A>G on the plus strand (T>C on the coding strand, the complement: PXDNL is on the minus strand). VCF-style: chr8-51409317-A-G. GRCh37 (hg19) VCF-style: chr8-52321877-A-G.
Identifiers: ClinVar variation 2658598 (VCV002658598.24), dbSNP rs2537059488, ClinGen allele CA461096039.

ClinVar aggregate classification (germline): Likely benign (1 of 4 stars; one submission).

Submission:

CeGaT Center for Human Genetics Tuebingen
Classification: Likely benign. Last evaluated: 2022-07-01. Review status: criteria provided, single submitter. Criteria: CeGaT Center For Human Genetics Tuebingen Variant Classification Criteria Version 2. Collection method: clinical testing. Allele origin: germline. Affected: yes. Observed: 1 variant allele.
Comment: PXDNL: PM2:Supporting, BP4, BP7